The following is an entry in ClinVar:

NM_000939.4(POMC):c.280AGCAGCGGC[12] (p.Gly99_Ala100insSerSerGlySerSerGlySerSerGlySerSerGlySerSerGlySerSerGlySerSerGlySerSerGlySerSerGlySerSerGly)

Gene: POMC (proopiomelanocortin; minus strand). Cytogenetic location: 2p23.3.
Variant type: Microsatellite.
Coding change: c.280AGCAGCGGC[12] on transcript NM_000939.4 (MANE Select); 12 copies in a row of the 9-base unit AGCAGCGGC starting at c.280.
Protein change: p.Gly99_Ala100insSerSerGlySerSerGlySerSerGlySerSerGlySerSerGlySerSerGlySerSerGlySerSerGlySerSerGlySerSerGly.
Molecular consequence: inframe insertion.
Genome position: GRCh38, VCF-style position (the base before the change): chr2:25,161,587. GRCh37 (hg19), VCF-style position (the base before the change): chr2:25,384,456.
Other names: c.280AGCAGCGGC[12], p.Gly99_Ala100insSerSerGlySerSerGlySerSerGlySerSerGlySerSerGlySerSerGlySerSerGlySerSerGlySerSerGlySerSerGly (NM_001035256.3, NM_001319204.2, NM_001319205.2).
Identifiers: ClinVar variation 2146580 (VCV002146580.1), dbSNP rs10654394, ClinGen allele CA1028505393.

ClinVar aggregate classification (germline): Uncertain significance (1 of 4 stars; one submission).

Submission:

Labcorp Genetics (formerly Invitae), Labcorp
Classification: Uncertain significance. Last evaluated: 2022-02-23. Review status: criteria provided, single submitter. Criteria: Invitae Variant Classification Sherloc (09022015). Collection method: clinical testing. Allele origin: germline.
Comment: This variant, c.297_298ins90, results in the insertion of 30 amino acid(s) of the POMC protein (p.Gly99_Ala100ins30), but otherwise preserves the integrity of the reading frame. This variant is not present in population databases (gnomAD no frequency). This variant has not been reported in the literature in individuals affected with POMC-related conditions. Experimental studies and prediction algorithms are not available or were not evaluated, and the functional significance of this variant is currently unknown. In summary, the available evidence is currently insufficient to determine the role of this variant in disease. Therefore, it has been classified as a Variant of Uncertain Significance.